The following is an entry in ClinVar:

ClinVar aggregate classification (germline): Uncertain significance (1 of 4 stars; one submission).

gnomAD v4.1: 1 of 1,613,712 alleles (0.000062%); highest among the groups gnomAD compares: Admixed American, 0.0017%; no homozygotes.

Submission:

Labcorp Genetics (formerly Invitae), Labcorp
Classification: Uncertain significance. Last evaluated: 2025-09-03. Review status: criteria provided, single submitter. Criteria: Invitae Variant Classification Sherloc (09022015). Collection method: clinical testing. Allele origin: germline.
Comment: This sequence change replaces proline, which is neutral and non-polar, with alanine, which is neutral and non-polar, at codon 784 of the MICAL1 protein (p.Pro784Ala). This variant is present in population databases (rs754537800, gnomAD 0.003%). This variant has not been reported in the literature in individuals affected with MICAL1-related conditions. An algorithm developed to predict the effect of missense changes on protein structure and function (PolyPhen-2) suggests that this variant is likely to be tolerated. In summary, the available evidence is currently insufficient to determine the role of this variant in disease. Therefore, it has been classified as a Variant of Uncertain Significance.

NM_022765.4(MICAL1):c.2293C>G (p.Pro765Ala)

Gene: MICAL1 (microtubule associated monooxygenase, calponin and LIM domain containing 1; minus strand). Cytogenetic location: 6q21.
Variant type: single nucleotide variant.
Coding change: c.2293C>G on transcript NM_022765.4 (MANE Select); coding-DNA position 2293, C replaced by G.
Protein change: p.Pro765Ala; replaces proline 765 with alanine.
Molecular consequence: missense variant.
Genome position (GRCh38, 1-based): chr6:109,446,707, G>C on the plus strand (C>G on the coding strand, the complement: MICAL1 is on the minus strand). VCF-style: chr6-109446707-G-C. GRCh37 (hg19) VCF-style: chr6-109767910-G-C.
Other names: c.2035C>G, p.Pro679Ala (NM_001159291.2); c.2350C>G, p.Pro784Ala (NM_001286613.2); short protein forms P679A, P765A, P784A.
Identifiers: ClinVar variation 4707909 (VCV004707909.1).
Genomic context (GRCh38, chr6:109,446,707, plus strand): 5'-CTCTTCCTCTTCCCATGCCCCAATATACATACACGCCTTCAGTCTTTACCGGACTCTCAG[G>C]GCCTCTATCGCTGCCTTCCGCTTTGTGGTCTGTCTGGGGCAGGTGCTGGAGGCAGTAGAA-3'
Protein context (NP_073602.3, residues 755-775): DHKAEGSDRG[Pro765Ala]ESPELPTPSE